The following is an entry in ClinVar:

ClinVar aggregate classification (germline): Uncertain significance (1 of 4 stars; one submission).

gnomAD v4.1: 13 of 1,614,012 alleles (0.00081%); highest among the groups gnomAD compares: African/African-American, 0.0013%; no homozygotes.

Submission:

GeneDx
Classification: Uncertain significance. Last evaluated: 2024-06-18. Review status: criteria provided, single submitter. Criteria: GeneDx Variant Classification Process June 2021. Collection method: clinical testing. Allele origin: germline. Affected: yes.
Comment: Not observed at significant frequency in large population cohorts (gnomAD); In silico analysis indicates that this missense variant does not alter protein structure/function; Has not been previously published as pathogenic or benign to our knowledge

NM_005548.3(KARS1):c.1294G>A (p.Val432Ile)

Gene: KARS1 (lysyl-tRNA synthetase 1; minus strand). Cytogenetic location: 16q23.1.
Variant type: single nucleotide variant.
Coding change: c.1294G>A on transcript NM_005548.3 (MANE Select); coding-DNA position 1294, G replaced by A.
Protein change: p.Val432Ile; replaces valine 432 with isoleucine.
Molecular consequence: missense variant.
Genome position (GRCh38, 1-based): chr16:75,631,212, C>T on the plus strand (G>A on the coding strand, the complement: KARS1 is on the minus strand). VCF-style: chr16-75631212-C-T. GRCh37 (hg19) VCF-style: chr16-75665110-C-T.
Other names: c.1378G>A, p.Val460Ile (NM_001130089.2); c.826G>A, p.Val276Ile (NM_001378148.1); short protein forms V276I, V432I, V460I.
Identifiers: ClinVar variation 3391519 (VCV003391519.1).